The following is an entry in ClinVar:

ClinVar aggregate classification (germline): Uncertain significance (1 of 4 stars; one submission).

Conditions:
Marfan syndrome (MFS). Also called: MARFAN SYNDROME, TYPE I; Marfan syndrome type 1; Marfan's syndrome; Marfan syndrome, classic; FBN1-Related Marfan Syndrome. Identifiers: Orphanet 284963, Orphanet 558, MedGen C0024796, MONDO:0007947, OMIM 154700.

Submission:

All of Us Research Program, National Institutes of Health
Classification: Uncertain significance for Marfan syndrome. Last evaluated: 2023-08-15. Review status: criteria provided, single submitter. Criteria: ACMG Guidelines, 2015. Collection method: clinical testing. Allele origin: germline. Inheritance: Autosomal dominant inheritance. Observed: 1 variant allele, 1 heterozygote.
Comment: This variant causes a T to G nucleotide substitution at the -11 position of intron 28 of the FBN1 gene. To our knowledge, functional studies have not been reported for this variant. This variant has not been reported in individuals affected with FBN1-related disorders in the literature. This variant has not been identified in the general population by the Genome Aggregation Database (gnomAD). The available evidence is insufficient to determine the role of this variant in disease conclusively. Therefore, this variant is classified as a Variant of Uncertain Significance.

This study involves interpretation of variants in research participants for the purpose of population health screening. Participant phenotype was not available at the time of variant classification. Additional details can be found in publication PMID: 35346344, PMCID: PMC8962531

NM_000138.5(FBN1):c.3464-11T>G

Gene: FBN1 (fibrillin 1; minus strand). Cytogenetic location: 15q21.1.
Variant type: single nucleotide variant.
Coding change: c.3464-11T>G on transcript NM_000138.5 (MANE Select); 11 bases into the intron before coding-DNA position 3464, T replaced by G.
Molecular consequence: intron variant.
Genome position (GRCh38, 1-based): chr15:48,487,211, A>C on the plus strand (T>G on the coding strand, the complement: FBN1 is on the minus strand). VCF-style: chr15-48487211-A-C. GRCh37 (hg19) VCF-style: chr15-48779408-A-C.
Other names: c.3464-11T>G (NM_001406716.1).
Identifiers: ClinVar variation 3072665 (VCV003072665.1), dbSNP rs767786832, ClinGen allele CA2575717468.